The following is an entry in ClinVar:

ClinVar aggregate classification (germline): Uncertain significance (1 of 4 stars; one submission).

Submission:

CeGaT Center for Human Genetics Tuebingen
Classification: Uncertain significance. Last evaluated: 2023-06-01. Review status: criteria provided, single submitter. Criteria: CeGaT Center For Human Genetics Tuebingen Variant Classification Criteria Version 2. Collection method: clinical testing. Allele origin: germline. Affected: yes. Observed: 1 variant allele.
Comment: PLG: PM2

NM_000301.5(PLG):c.413C>A (p.Ser138Ter)

Gene: PLG (plasminogen; plus strand). Cytogenetic location: 6q26.
Variant type: single nucleotide variant.
Coding change: c.413C>A on transcript NM_000301.5 (MANE Select); coding-DNA position 413, C replaced by A.
Protein change: p.Ser138Ter; replaces serine 138 with a stop codon.
Molecular consequence: nonsense.
Genome position (GRCh38, 1-based): chr6:160,712,991, C>A. VCF-style: chr6-160712991-C-A. GRCh37 (hg19) VCF-style: chr6-161134023-C-A.
Other names: short protein forms S138*.
Identifiers: ClinVar variation 2657118 (VCV002657118.24), dbSNP rs2484330340, ClinGen allele CA366361609.
Genomic context (GRCh38, chr6:160,712,991, plus strand): 5'-ATAGCAAGCTGATTTTTAGAATATAGTCTAAGTGCTTCTTTTCCATCCTCCCCAGATTCT[C>A]ACCTGCTACACACCCCTCAGAGGGACTGGAGGAGAACTACTGCAGGAATCCAGACAACGA-3'